The following is an entry in ClinVar:

NM_001134771.2(SLC12A5):c.103C>A (p.Pro35Thr)

Genes: SLC12A5 (solute carrier family 12 member 5; plus strand), SLC12A5-AS1 (SLC12A5 and MMP9 antisense RNA 1; minus strand), LOC130065980 (ATAC-STARR-seq lymphoblastoid silent region 12971; plus strand). Cytogenetic location: 20q13.12.
Variant type: single nucleotide variant.
Coding change: c.103C>A on transcript NM_001134771.2; coding-DNA position 103, C replaced by A.
Protein change: p.Pro35Thr; replaces proline 35 with threonine.
Molecular consequence: missense variant. On other transcripts: non-coding transcript variant (1).
Genome position (GRCh38, 1-based): chr20:46,021,868, C>A. VCF-style: chr20-46021868-C-A. GRCh37 (hg19) VCF-style: chr20-44650507-C-A.
Other names: short protein forms P35T.
Identifiers: ClinVar variation 3352889 (VCV003352889.1).

ClinVar aggregate classification (germline): Uncertain significance (0 of 4 stars; one submission).

Conditions:
SLC12A5-related disorder. Also called: SLC12A5-related condition.

gnomAD v4.1: 22 of 1,529,802 alleles (0.0014%); highest among the groups gnomAD compares: East Asian, 0.017%; no homozygotes.

Submission:

PreventionGenetics, part of Exact Sciences
Classification: Uncertain significance for SLC12A5-related condition. Last evaluated: 2024-06-21. Review status: no assertion criteria provided. Collection method: clinical testing. Allele origin: germline.
Comment: The SLC12A5 c.103C>A variant is predicted to result in the amino acid substitution p.Pro35Thr. To our knowledge, this variant has not been reported in the literature. This variant is reported in 0.031% of alleles in individuals of East Asian descent in gnomAD. At this time, the clinical significance of this variant is uncertain due to the absence of conclusive functional and genetic evidence.